The following is an entry in ClinVar:

NM_000218.3(KCNQ1):c.425del (p.Leu142fs)

Gene: KCNQ1 (potassium voltage-gated channel subfamily Q member 1; plus strand). Cytogenetic location: 11p15.5.
Variant type: Deletion.
Coding change: c.425del on transcript NM_000218.3 (MANE Select); coding-DNA position 425, one base deleted (T; older notation c.425delT).
Protein change: p.Leu142fs; shifts the reading frame from leucine 142.
Molecular consequence: frameshift variant.
Genome position (GRCh38, 1-based): chr11:2,527,966, T deleted. VCF-style (leftmost placement, unchanged base first): chr11-2527965-CT-C. GRCh37 (hg19) VCF-style: chr11-2549195-CT-C.
Other names: c.425delT, p.Leu142Argfs (NM_001406836.1, NM_001406838.1); c.155delT, p.Leu52Argfs (NM_001406837.1); c.44delT, p.Leu15Argfs (NM_181798.2); short protein forms L15fs, L142fs.
Identifiers: ClinVar variation 200892 (VCV000200892.4), dbSNP rs794728566, ClinGen allele CA007054.

ClinVar aggregate classification (germline): Pathogenic/Likely pathogenic. Review status: criteria provided, multiple submitters, no conflicts (2 of 4 stars). 2 submissions from 2 submitters: Pathogenic (1); Likely pathogenic (1). Last evaluated 2018-03-27.

Conditions:
Long QT syndrome 1 (LQT1). Identifiers: Orphanet 101016, Orphanet 768, MedGen C4551647, MONDO:0100316, OMIM 192500, MONDO:0008646.

Submissions (2):

Human Genome Sequencing Center Clinical Lab, Baylor College of Medicine
Classification: Likely pathogenic for Long QT syndrome 1. Last evaluated: 2018-03-27. Review status: criteria provided, single submitter. Criteria: ACMG Guidelines, 2015. Collection method: clinical testing. Allele origin: germline.
Comment: The c.425delT (p.Leu142Argfs*95) variant in the KCNQ1 gene is predicted to introduce a premature translation stop codon and has not been detected in the general population. The c.425delT (p.Leu142Argfs*95) variant in the KCNQ1 gene is classified as likely pathogenic.

GeneDx
Classification: Pathogenic. Last evaluated: 2012-07-26. Review status: criteria provided, single submitter. Criteria: GeneDx Variant Classification (06012015). Collection method: clinical testing. Allele origin: germline. Affected: yes.
Comment: Although the c.425delTvariant in the KCNQ1 gene has not been reported to our knowledge, this variant causes a shift in reading frame starting at codon Leucine 142, changing it to an Arginine, and creating a premature stop codon at position 95 of the new reading frame, denoted p.Leu142ArgfsX95. This variant is expected to result in either an abnormal, truncated protein product or loss of protein from this allele through nonsense-mediated mRNA decay. Other frameshift variants in the KCNQ1 gene have been reported in association with LQTS. In summary, c.425delT in the KCNQ1 gene is interpreted as a pathogenic variant.